The following is an entry in ClinVar:

NM_004168.4(SDHA):c.1456C>A (p.Pro486Thr)

Gene: SDHA (succinate dehydrogenase complex flavoprotein subunit A; plus strand). Cytogenetic location: 5p15.33.
Variant type: single nucleotide variant.
Coding change: c.1456C>A on transcript NM_004168.4 (MANE Select); coding-DNA position 1456, C replaced by A.
Protein change: p.Pro486Thr; replaces proline 486 with threonine.
Molecular consequence: missense variant.
Genome position (GRCh38, 1-based): chr5:240,381, C>A. VCF-style: chr5-240381-C-A. GRCh37 (hg19) VCF-style: chr5-240496-C-A.
Other names: c.1312C>A, p.Pro438Thr (NM_001294332.2); c.1456C>A, p.Pro486Thr (NM_001330758.2); short protein forms P486T, P438T.
Identifiers: ClinVar variation 412344 (VCV000412344.17), dbSNP rs1060503706, ClinGen allele CA16611887.
Genomic context (GRCh38, chr5:240,381, plus strand): 5'-TTTTCAAAAGTTAAATTCTAGCTTTTTTTTGTTTTAGGAGATAAAGTCCCTCCAATTAAA[C>A]CAAACGCTGGGGAAGAATCTGTCATGAATCTTGACAAATTGAGATTTGCTGATGGAAGCA-3'
Protein context (NP_004159.2, residues 476-496): RPGDKVPPIK[Pro486Thr]NAGEESVMNL

ClinVar aggregate classification (germline): Conflicting classifications of pathogenicity. Review status: criteria provided, conflicting classifications (1 of 4 stars). 6 submissions from 6 submitters: Uncertain significance (3); Likely benign (2). 1 of the submissions does not count toward it. Last evaluated 2026-01-18.

Conditions:
Dilated cardiomyopathy 1GG (CMD1GG). Identifiers: Orphanet 154, MedGen C3150898, MONDO:0013339, OMIM 613642.
Neurodegeneration with ataxia and late-onset optic atrophy. Identifiers: MedGen C5543254, MONDO:0031006, OMIM 619259.
Mitochondrial complex II deficiency, nuclear type 1. Also called: SUCCINATE CoQ REDUCTASE DEFICIENCY. Identifiers: Orphanet 3208, MedGen C5700310, MONDO:0100294, OMIM 252011.
Pheochromocytoma/paraganglioma syndrome 5. Also called: SDHA-Related Hereditary Paraganglioma-Pheochromocytoma Syndrome; Paragangliomas 5. Identifiers: Orphanet 29072, MedGen C3279992, MONDO:0013602, OMIM 614165.
SDHA-related disorder. Also called: SDHA-related disorders; SDHA-related condition.
Hereditary cancer-predisposing syndrome. Also called: Neoplastic Syndromes, Hereditary; Hereditary Cancer Syndrome; Tumor predisposition; Hereditary neoplastic syndrome. Identifiers: Orphanet 140162, MedGen C0027672, MeSH D009386, MONDO:0015356.

Allele frequency attached by ClinVar (database versions not stated): gnomAD exomes below 0.00001 and 0.00001; TOPMed below 0.00001; gnomAD 0.00001.
gnomAD v4.1: 7 of 1,607,540 alleles (0.00044%); highest among the groups gnomAD compares: Admixed American, 0.0033%; no homozygotes.

Submissions (6):

Labcorp Genetics (formerly Invitae), Labcorp
Classification: Uncertain significance for Pheochromocytoma/paraganglioma syndrome 5; Mitochondrial complex II deficiency, nuclear type 1. Last evaluated: 2026-01-18. Review status: criteria provided, single submitter. Criteria: Invitae Variant Classification Sherloc (09022015). Collection method: clinical testing. Allele origin: germline.
Comment: This sequence change replaces proline, which is neutral and non-polar, with threonine, which is neutral and polar, at codon 486 of the SDHA protein (p.Pro486Thr). This variant is present in population databases (no rsID available, gnomAD 0.006%). This variant has not been reported in the literature in individuals affected with SDHA-related conditions. ClinVar contains an entry for this variant (Variation ID: 412344). Invitae Evidence Modeling of protein sequence and biophysical properties (such as structural, functional, and spatial information, amino acid conservation, physicochemical variation, residue mobility, and thermodynamic stability) indicates that this missense variant is not expected to disrupt SDHA protein function with a negative predictive value of 95%. In summary, the available evidence is currently insufficient to determine the role of this variant in disease. Therefore, it has been classified as a Variant of Uncertain Significance.

Quest Diagnostics Nichols Institute San Juan Capistrano
Classification: Uncertain significance. Last evaluated: 2025-01-20. Review status: criteria provided, single submitter. Criteria: Quest Diagnostics criteria. Collection method: clinical testing. Allele origin: unknown.
Comment: The SDHA c.1456C>A (p.Pro486Thr) variant has been reported in the published literature in individuals with pheochromocytoma/paraganglioma (PMID: 28552549 (2017)) and suspected hereditary breast/ovarian cancer syndrome (PMID: 38874686 (2024)). The frequency of this variant in the general population (Genome Aggregation Database) is uninformative in the assessment of its pathogenicity. Analysis of this variant using bioinformatics tools for the prediction of the effect of amino acid changes on protein structure and function yielded predictions that this variant is benign. Based on the available information, we are unable to determine the clinical significance of this variant.

Ambry Genetics
Classification: Likely benign for Hereditary cancer-predisposing syndrome. Last evaluated: 2024-10-16. Review status: criteria provided, single submitter. Criteria: Ambry Variant Classification Scheme 2023. Collection method: clinical testing. Allele origin: germline.

Fulgent Genetics
Classification: Uncertain significance for Mitochondrial complex II deficiency, nuclear type 1; Dilated cardiomyopathy 1GG; Pheochromocytoma/paraganglioma syndrome 5; Neurodegeneration with ataxia and late-onset optic atrophy. Last evaluated: 2024-06-21. Review status: criteria provided, single submitter. Criteria: ACMG Guidelines, 2015. Collection method: clinical testing. Allele origin: germline.

Sema4
Classification: Likely benign for Hereditary cancer-predisposing syndrome. Last evaluated: 2021-08-23. Review status: criteria provided, single submitter. Criteria: Sema4 Curation Guidelines. Collection method: curation. Allele origin: germline.

PreventionGenetics, part of Exact Sciences
Classification: Uncertain significance for SDHA-related condition. Last evaluated: 2024-04-04. Review status: no assertion criteria provided. Collection method: clinical testing. Allele origin: germline. Not counted in ClinVar's aggregate classification.
Comment: The SDHA c.1456C>A variant is predicted to result in the amino acid substitution p.Pro486Thr. This variant was reported as a variant of unknown significance in an individual with pheochromocytoma and paraganglioma (Table S6, Currás-Freixes M et al 2017. PubMed ID: 28552549). This variant is reported in 0.0057% of alleles in individuals of Latino descent in gnomAD. At this time, the clinical significance of this variant is uncertain due to the absence of conclusive functional and genetic evidence.

Literature cited by the submitters: PubMed 28552549 (cited by Quest Diagnostics Nichols Institute San Juan Capistrano and Ambry Genetics); PubMed 38874686 (cited by Quest Diagnostics Nichols Institute San Juan Capistrano).